The following is an entry in ClinVar:

ClinVar aggregate classification (germline): Uncertain significance (1 of 4 stars; one submission).

gnomAD v4.1: 5 of 1,613,972 alleles (0.00031%); highest among the groups gnomAD compares: Non-Finnish European, 0.00042%; no homozygotes.

Submission:

Ambry Genetics
Classification: Uncertain significance. Last evaluated: 2025-06-20. Review status: criteria provided, single submitter. Criteria: Ambry Variant Classification Scheme 2023. Collection method: clinical testing. Allele origin: germline.
Comment: The p.E149V variant (also known as c.446A>T), located in coding exon 1 of the TET2 gene, results from an A to T substitution at nucleotide position 446. The glutamic acid at codon 149 is replaced by valine, an amino acid with dissimilar properties. This amino acid position is conserved. In addition, this alteration is predicted to be tolerated by in silico analysis. Based on the available evidence, the clinical significance of this variant remains unclear.

NM_001127208.3(TET2):c.446A>T (p.Glu149Val)

Genes: TET2 (tet methylcytosine dioxygenase 2; plus strand), TET2-AS1 (TET2 antisense RNA 1; minus strand). Cytogenetic location: 4q24.
Variant type: single nucleotide variant.
Coding change: c.446A>T on transcript NM_001127208.3 (MANE Select); coding-DNA position 446, A replaced by T.
Protein change: p.Glu149Val; replaces glutamic acid 149 with valine.
Molecular consequence: missense variant.
Genome position (GRCh38, 1-based): chr4:105,234,388, A>T. VCF-style: chr4-105234388-A-T. GRCh37 (hg19) VCF-style: chr4-106155545-A-T.
Other names: c.446A>T, p.Glu149Val (NM_017628.4); short protein forms E149V.
Identifiers: ClinVar variation 4182921 (VCV004182921.1).